The following is an entry in ClinVar:

ClinVar aggregate classification (germline): Benign/Likely benign. Review status: criteria provided, multiple submitters, no conflicts (2 of 4 stars). 3 submissions from 3 submitters: Benign (1); Likely benign (1). 1 of the submissions does not count toward it. Last evaluated 2026-09-01.

Conditions:
TENM3-related disorder. Also called: TENM3-related condition.

Allele frequency attached by ClinVar (database versions not stated): 1000 Genomes Project 30x 0.00047; 1000 Genomes Project 0.00060; ESP Exome Variant Server 0.00184; gnomAD 0.00195; gnomAD exomes 0.00196; ExAC 0.00238.
gnomAD v4.1: 3,173 of 1,613,988 alleles (0.2%); highest among the groups gnomAD compares: South Asian, 0.22%; 12 homozygotes.

Submissions (3):

CeGaT Center for Human Genetics Tuebingen
Classification: Likely benign. Last evaluated: 2026-09-01. Review status: criteria provided, single submitter. Criteria: CeGaT Center For Human Genetics Tuebingen Variant Classification Criteria Version 2. Collection method: clinical testing. Allele origin: germline. Affected: yes. Observed: 2 variant alleles.
Comment: TENM3: BS2

Labcorp Genetics (formerly Invitae), Labcorp
Classification: Benign. Last evaluated: 2026-01-06. Review status: criteria provided, single submitter. Criteria: Invitae Variant Classification Sherloc (09022015). Collection method: clinical testing. Allele origin: germline.

PreventionGenetics, part of Exact Sciences
Classification: Likely benign for TENM3-related condition. Last evaluated: 2019-08-15. Review status: no assertion criteria provided. Collection method: clinical testing. Allele origin: germline. Not counted in ClinVar's aggregate classification.
Comment: This variant is classified as likely benign based on ACMG/AMP sequence variant interpretation guidelines (Richards et al. 2015 PMID: 25741868, with internal and published modifications).

NM_001080477.4(TENM3):c.5662C>T (p.Arg1888Cys)

Gene: TENM3 (teneurin transmembrane protein 3; plus strand). Cytogenetic location: 4q35.1.
Variant type: single nucleotide variant.
Coding change: c.5662C>T on transcript NM_001080477.4 (MANE Select); coding-DNA position 5662, C replaced by T.
Protein change: p.Arg1888Cys; replaces arginine 1888 with cysteine.
Molecular consequence: missense variant.
Genome position (GRCh38, 1-based): chr4:182,792,334, C>T. VCF-style: chr4-182792334-C-T. GRCh37 (hg19) VCF-style: chr4-183713487-C-T.
Other names: c.5659C>T, p.Arg1887Cys (NM_001415975.1, NM_001415974.1); c.5383C>T, p.Arg1795Cys (NM_001415976.1, NM_001415977.1); c.4894C>T, p.Arg1632Cys (NM_001415960.1); c.4867C>T, p.Arg1623Cys (NM_001415961.1); c.4864C>T, p.Arg1622Cys (NM_001415962.1); c.4846C>T, p.Arg1616Cys (NM_001415963.1); c.4843C>T, p.Arg1615Cys (NM_001415964.1); c.5380C>T, p.Arg1794Cys (NM_001415966.1); and 4 more; short protein forms R1622C, R1894C, R1623C, R1632C, R1794C, R1795C, R1888C, R1616C.
Identifiers: ClinVar variation 2049977 (VCV002049977.29), dbSNP rs199527016, ClinGen allele CA3148686.